The following is an entry in ClinVar:

ClinVar aggregate classification (germline): Benign/Likely benign. Review status: criteria provided, multiple submitters, no conflicts (2 of 4 stars). 6 submissions from 6 submitters: Benign (4); Likely benign (2). Last evaluated 2026-05-01.

Conditions:
Noonan syndrome and Noonan-related syndrome. Identifiers: Orphanet 98733, MedGen C5681679, MONDO:0020297.
Hereditary cancer-predisposing syndrome. Also called: Hereditary neoplastic syndrome; Neoplastic Syndromes, Hereditary; Hereditary Cancer Syndrome; Tumor predisposition. Identifiers: Orphanet 140162, MedGen C0027672, MeSH D009386, MONDO:0015356.
Cardiovascular phenotype. Identifiers: MedGen CN230736.

Allele frequency attached by ClinVar (database versions not stated): gnomAD 0.00001 and 0.00019; TOPMed 0.00004; gnomAD exomes 0.00040 and 0.00079; ExAC 0.00088; 1000 Genomes Project 30x 0.00156; 1000 Genomes Project 0.00180.
gnomAD v4.1: 610 of 1,613,354 alleles (0.038%); highest among the groups gnomAD compares: South Asian, 0.63%; 14 homozygotes.

Submissions (6):

CeGaT Center for Human Genetics Tuebingen
Classification: Likely benign. Last evaluated: 2026-05-01. Review status: criteria provided, single submitter. Criteria: CeGaT Center For Human Genetics Tuebingen Variant Classification Criteria Version 2. Collection method: clinical testing. Allele origin: germline. Affected: yes. Observed: 3 variant alleles.
Comment: LZTR1: BP4, BP7, BS2

Labcorp Genetics (formerly Invitae), Labcorp
Classification: Benign. Last evaluated: 2026-02-02. Review status: criteria provided, single submitter. Criteria: Invitae Variant Classification Sherloc (09022015). Collection method: clinical testing. Allele origin: germline.

Blueprint Genetics
Classification: Likely benign. Last evaluated: 2024-11-18. Review status: criteria provided, single submitter. Criteria: ACMG Guidelines, 2015. Collection method: clinical testing. Allele origin: germline.

Genome Diagnostics Laboratory, The Hospital for Sick Children
Classification: Benign for Noonan syndrome and Noonan-related syndrome. Last evaluated: 2021-01-04. Review status: criteria provided, single submitter. Criteria: ACMG Guidelines, 2015. Collection method: clinical testing. Allele origin: germline.

Ambry Genetics
Classification: Benign for Cardiovascular phenotype; Hereditary cancer-predisposing syndrome. Last evaluated: 2020-09-02. Review status: criteria provided, single submitter. Criteria: Ambry Variant Classification Scheme 2023. Collection method: clinical testing. Allele origin: germline.

Women's Health and Genetics/Laboratory Corporation of America, LabCorp
Classification: Benign. Last evaluated: 2017-07-10. Review status: criteria provided, single submitter. Criteria: LabCorp Variant Classification Summary - May 2015. Collection method: clinical testing. Allele origin: germline.
Comment: Variant summary: The LZTR1 c.450C>T (p.Asn150Asn) variant involves the alteration of a non-conserved nucleotide, resulting in a synonymous change. 5/5 splice prediction tools predict no significant impact on normal splicing. ESE finder predicts that this variant may not affect binding of ESE sites. This variant was found in 107/121282 control chromosomes (2 homozygotes) at a frequency of 0.0008822, which is approximately 176 times the estimated maximal expected allele frequency of a pathogenic LZTR1 variant (0.000005), suggesting this variant is likely a benign polymorphism. The variant of interest has not, to our knowledge, been reported in literature. Taken together, this variant is classified as benign.

NM_006767.4(LZTR1):c.450C>T (p.Asn150=)

Gene: LZTR1 (leucine zipper like post translational regulator 1; plus strand). Cytogenetic location: 22q11.21.
Variant type: single nucleotide variant.
Coding change: c.450C>T on transcript NM_006767.4 (MANE Select); coding-DNA position 450, C replaced by T.
Protein change: p.Asn150=; no amino-acid change (asparagine 150 retained).
Molecular consequence: synonymous variant.
Genome position (GRCh38, 1-based): chr22:20,988,059, C>T. VCF-style: chr22-20988059-C-T. GRCh37 (hg19) VCF-style: chr22-21342348-C-T.
Identifiers: ClinVar variation 496336 (VCV000496336.29), dbSNP rs560328641, ClinGen allele CA10118440.
Genomic context (GRCh38, chr22:20,988,059, plus strand): 5'-TCTTTACTCAGGGGGTTACACTGGGGACATTTATTCCAATTCTAACTTGAAGAATAAAAA[C>T]GACCTCTTTGAATACAAGTTTGCAACTGGCCAGTGGACGGAGTGGAAAATTGAAGGACGG-3'
Protein context (NP_006758.2, residues 140-160): IYSNSNLKNK[Asn150=]DLFEYKFATG